The following is an entry in ClinVar:

NM_147127.5(EVC2):c.2829+2T>C

Gene: EVC2 (EvC ciliary complex subunit 2; minus strand). Cytogenetic location: 4p16.2.
Variant type: single nucleotide variant.
Coding change: c.2829+2T>C on transcript NM_147127.5 (MANE Select); the canonical splice donor site of the intron after coding-DNA position 2829, T replaced by C.
Molecular consequence: splice donor variant.
Genome position (GRCh38, 1-based): chr4:5,615,420, A>G on the plus strand (T>C on the coding strand, the complement: EVC2 is on the minus strand). VCF-style: chr4-5615420-A-G. GRCh37 (hg19) VCF-style: chr4-5617147-A-G.
Other names: c.2589+2T>C (NM_001166136.2).
Identifiers: ClinVar variation 2943664 (VCV002943664.3), dbSNP rs2475350092, ClinGen allele CA356142182.

ClinVar aggregate classification (germline): Likely pathogenic (1 of 4 stars; one submission).

Conditions:
Curry-Hall syndrome (WAD). Also called: WEYERS ACRODENTAL DYSOSTOSIS. Identifiers: Orphanet 952, MedGen C0457013, MONDO:0008673, OMIM 193530.
Ellis-van Creveld syndrome (EVC). Also called: EVC-Related Ellis-van Creveld Syndrome; EVC2-Related Ellis-van Creveld Syndrome; MESOECTODERMAL DYSPLASIA; Chondroectodermal dysplasia. Identifiers: Orphanet 289, MedGen C0013903, MONDO:0009162, OMIM 225500.

Submission:

Labcorp Genetics (formerly Invitae), Labcorp
Classification: Likely pathogenic for Curry-Hall syndrome; Ellis-van Creveld syndrome. Last evaluated: 2023-01-27. Review status: criteria provided, single submitter. Criteria: Invitae Variant Classification Sherloc (09022015). Collection method: clinical testing. Allele origin: germline.
Comment: In summary, the currently available evidence indicates that the variant is pathogenic, but additional data are needed to prove that conclusively. Therefore, this variant has been classified as Likely Pathogenic. This sequence change affects a donor splice site in intron 16 of the EVC2 gene. It is expected to disrupt RNA splicing. Variants that disrupt the donor or acceptor splice site typically lead to a loss of protein function (PMID: 16199547), and loss-of-function variants in EVC2 are known to be pathogenic (PMID: 17024374, 19810119, 19876929). This variant is not present in population databases (gnomAD no frequency). This variant has not been reported in the literature in individuals affected with EVC2-related conditions. Algorithms developed to predict the effect of sequence changes on RNA splicing suggest that this variant may disrupt the consensus splice site.

Literature cited by the submitters: PubMed 16199547; PubMed 17024374; PubMed 19810119; PubMed 19876929.